The following is an entry in ClinVar:

ClinVar aggregate classification (germline): Uncertain significance (1 of 4 stars; one submission).

gnomAD v4.1: 65 of 1,612,818 alleles (0.004%); highest among the groups gnomAD compares: Non-Finnish European, 0.0053%; no homozygotes.

Submission:

Labcorp Genetics (formerly Invitae), Labcorp
Classification: Uncertain significance. Last evaluated: 2022-07-19. Review status: criteria provided, single submitter. Criteria: Invitae Variant Classification Sherloc (09022015). Collection method: clinical testing. Allele origin: germline.
Comment: This variant is present in population databases (rs199916649, gnomAD 0.003%). This sequence change replaces glutamine, which is neutral and polar, with lysine, which is basic and polar, at codon 25 of the GNRHR protein (p.Gln25Lys). This variant has not been reported in the literature in individuals affected with GNRHR-related conditions. In summary, the available evidence is currently insufficient to determine the role of this variant in disease. Therefore, it has been classified as a Variant of Uncertain Significance. Algorithms developed to predict the effect of missense changes on protein structure and function (SIFT, PolyPhen-2, Align-GVGD) all suggest that this variant is likely to be tolerated. ClinVar contains an entry for this variant (Variation ID: 1419996).

NM_000406.3(GNRHR):c.73C>A (p.Gln25Lys)

Gene: GNRHR (gonadotropin releasing hormone receptor; minus strand). Cytogenetic location: 4q13.2.
Variant type: single nucleotide variant.
Coding change: c.73C>A on transcript NM_000406.3 (MANE Select); coding-DNA position 73, C replaced by A.
Protein change: p.Gln25Lys; replaces glutamine 25 with lysine.
Molecular consequence: missense variant.
Genome position (GRCh38, 1-based): chr4:67,754,263, G>T on the plus strand (C>A on the coding strand, the complement: GNRHR is on the minus strand). VCF-style: chr4-67754263-G-T. GRCh37 (hg19) VCF-style: chr4-68619981-G-T.
Other names: c.73C>A, p.Gln25Lys (NM_001012763.2); short protein forms Q25K.
Identifiers: ClinVar variation 1419996 (VCV001419996.6), dbSNP rs199916649, ClinGen allele CA2939005.